The following is an entry in ClinVar:

NM_015102.5(NPHP4):c.2940G>A (p.Thr980=)

Gene: NPHP4 (nephrocystin 4; minus strand). Cytogenetic location: 1p36.31.
Variant type: single nucleotide variant.
Coding change: c.2940G>A on transcript NM_015102.5 (MANE Select); coding-DNA position 2940, G replaced by A.
Protein change: p.Thr980=; no amino-acid change (threonine 980 retained).
Molecular consequence: synonymous variant. On other transcripts: non-coding transcript variant (1).
Genome position (GRCh38, 1-based): chr1:5,874,978, C>T on the plus strand (G>A on the coding strand, the complement: NPHP4 is on the minus strand). VCF-style: chr1-5874978-C-T. GRCh37 (hg19) VCF-style: chr1-5935038-C-T.
Other names: c.1401G>A, p.Thr467= (NM_001291593.2); c.1404G>A, p.Thr468= (NM_001291594.2).
Identifiers: ClinVar variation 497873 (VCV000497873.41), dbSNP rs146948888, ClinGen allele CA553867.

ClinVar aggregate classification (germline): Conflicting classifications of pathogenicity. Review status: criteria provided, conflicting classifications (1 of 4 stars). 5 submissions from 5 submitters: Uncertain significance (1); Likely benign (3). 1 of the submissions does not count toward it. Last evaluated 2026-10-01.

Conditions:
Nephronophthisis. Also called: Juvenile Nephronophthisis. Identifiers: Orphanet 655, MedGen C0687120, MONDO:0019005, HP:0000090.
NPHP4-related disorder. Also called: NPHP4-related disorders; NPHP4-related condition. Identifiers: MedGen CN239384.

Allele frequency attached by ClinVar (database versions not stated): 1000 Genomes Project 0.00020; 1000 Genomes Project 30x 0.00031; ExAC 0.00038; gnomAD exomes 0.00043; ESP Exome Variant Server 0.00054; TOPMed 0.00078; gnomAD 0.00081 and 0.00087.
gnomAD v4.1: 1,069 of 1,612,794 alleles (0.066%); highest among the groups gnomAD compares: Middle Eastern, 0.15%; 2 homozygotes.

Submissions (5):

CeGaT Center for Human Genetics Tuebingen
Classification: Likely benign. Last evaluated: 2026-10-01. Review status: criteria provided, single submitter. Criteria: CeGaT Center For Human Genetics Tuebingen Variant Classification Criteria Version 2. Collection method: clinical testing. Allele origin: germline. Affected: yes. Observed: 3 variant alleles.
Comment: NPHP4: BP4, BP7

Labcorp Genetics (formerly Invitae), Labcorp
Classification: Likely benign for Nephronophthisis. Last evaluated: 2026-02-01. Review status: criteria provided, single submitter. Criteria: Invitae Variant Classification Sherloc (09022015). Collection method: clinical testing. Allele origin: germline.

Blueprint Genetics
Classification: Likely benign. Last evaluated: 2024-11-08. Review status: criteria provided, single submitter. Criteria: ACMG Guidelines, 2015. Collection method: clinical testing. Allele origin: germline.

Eurofins Ntd Llc (ga)
Classification: Uncertain significance. Last evaluated: 2018-04-06. Review status: criteria provided, single submitter. Criteria: EGL ClinVar v180209 classification definitions. Collection method: clinical testing. Allele origin: germline. Observed: 10 variant alleles, 9 heterozygotes, 1 homozygote.

PreventionGenetics, part of Exact Sciences
Classification: Likely benign for NPHP4-related condition. Last evaluated: 2019-04-17. Review status: no assertion criteria provided. Collection method: clinical testing. Allele origin: germline. Not counted in ClinVar's aggregate classification.
Comment: This variant is classified as likely benign based on ACMG/AMP sequence variant interpretation guidelines (Richards et al. 2015 PMID: 25741868, with internal and published modifications).